The following is an entry in ClinVar:

NM_001243133.2(NLRP3):c.1584C>T (p.Ala528=)

Gene: NLRP3 (NLR family pyrin domain containing 3; plus strand). Cytogenetic location: 1q44.
Variant type: single nucleotide variant.
Coding change: c.1584C>T on transcript NM_001243133.2 (MANE Select); coding-DNA position 1584, C replaced by T.
Protein change: p.Ala528=; no amino-acid change (alanine 528 retained).
Molecular consequence: synonymous variant.
Genome position (GRCh38, 1-based): chr1:247,425,033, C>T. VCF-style: chr1-247425033-C-T. GRCh37 (hg19) VCF-style: chr1-247588335-C-T.
Other names: p.A530A:GCC>GCT; c.1584C>T, p.Ala528= (NM_001079821.3, NM_001127461.3, NM_001127462.3 and 1 more transcripts); c.1590C>T, p.Ala530= (NM_004895.5).
Identifiers: ClinVar variation 138532 (VCV000138532.13), dbSNP rs201644343, ClinGen allele CA292567.
Genomic context (GRCh38, chr1:247,425,033, plus strand): 5'-GGAAGTGGACTGCGAGAAGTTCTACAGCTTCATCCACATGACTTTCCAGGAGTTCTTTGC[C>T]GCCATGTACTACCTGCTGGAAGAGGAAAAGGAAGGAAGGACGAACGTTCCAGGGAGTCGT-3'
Protein context (NP_001230062.1, residues 518-538): FIHMTFQEFF[Ala528=]AMYYLLEEEK

ClinVar aggregate classification (germline): Conflicting classifications of pathogenicity. Review status: criteria provided, conflicting classifications (1 of 4 stars). 7 submissions from 5 submitters: Uncertain significance (1); Benign (4); Likely benign (2). Last evaluated 2026-01-21.

Conditions:
Autoinflammatory syndrome. Identifiers: Orphanet 93665, MedGen C3890737, MONDO:0019751.
Cryopyrin associated periodic syndrome (CAPS). Identifiers: Orphanet 208650, MedGen C2316212, MONDO:0016168.
Chronic infantile neurological, cutaneous and articular syndrome (CINCA). Also called: Prieur Griscelli syndrome; CRYOPYRIN-ASSOCIATED PERIODIC SYNDROME 3; CINCA syndrome; CHRONIC NEUROLOGIC CUTANEOUS AND ARTICULAR SYNDROME. Identifiers: Orphanet 1451, MedGen C0409818, MONDO:0011776, OMIM 607115.
Familial amyloid nephropathy with urticaria AND deafness (MWS). Also called: MUCKLE-WELLS SYNDROME; Urticaria, deafness and amyloidosis; CRYOPYRIN-ASSOCIATED PERIODIC SYNDROME 2; UDA SYNDROME; URTICARIA-DEAFNESS-AMYLOIDOSIS SYNDROME. Identifiers: Orphanet 575, MedGen C0268390, MONDO:0008633, OMIM 191900.
Familial cold autoinflammatory syndrome 1 (FCAS1). Also called: CRYOPYRIN-ASSOCIATED PERIODIC SYNDROME 1; Familial cold inflammatory syndrome 1. Identifiers: Orphanet 47045, MedGen C4551895, MONDO:0007349, OMIM 120100.

Allele frequency attached by ClinVar (database versions not stated): TOPMed 0.00002; gnomAD 0.00003; ExAC 0.00007; gnomAD exomes 0.00007.
gnomAD v4.1: 45 of 1,614,010 alleles (0.0028%); highest among the groups gnomAD compares: South Asian, 0.024%; no homozygotes.

Submissions (7):

Labcorp Genetics (formerly Invitae), Labcorp
Classification: Likely benign for Cryopyrin associated periodic syndrome. Last evaluated: 2026-01-21. Review status: criteria provided, single submitter. Criteria: Invitae Variant Classification Sherloc (09022015). Collection method: clinical testing. Allele origin: germline.

Blueprint Genetics
Classification: Likely benign. Last evaluated: 2023-02-27. Review status: criteria provided, single submitter. Criteria: ACMG Guidelines, 2015. Collection method: clinical testing. Allele origin: germline.

Genome Diagnostics Laboratory, The Hospital for Sick Children
Classification: Uncertain significance for Autoinflammatory syndrome. Last evaluated: 2022-03-15. Review status: criteria provided, single submitter. Criteria: ACMG Guidelines, 2015. Collection method: clinical testing. Allele origin: germline. Affected: yes.

Illumina Laboratory Services, Illumina
Classification: Benign for Familial amyloid nephropathy with urticaria AND deafness. Last evaluated: 2018-01-13. Review status: criteria provided, single submitter. Criteria: ICSL Variant Classification Criteria 13 December 2019. Collection method: clinical testing. Allele origin: germline.
Comment: This variant was observed in the ICSL laboratory as part of a predisposition screen in an ostensibly healthy population. It had not been previously curated by ICSL or reported in the Human Gene Mutation Database (HGMD: prior to June 1st, 2018), and was therefore a candidate for classification through an automated scoring system. Utilizing variant allele frequency, disease prevalence and penetrance estimates, and inheritance mode, an automated score was calculated to assess if this variant is too frequent to cause the disease. Based on the score and internal cut-off values, a variant classified as benign is not then subjected to further curation. The score for this variant resulted in a classification of benign for this disease.

Illumina Laboratory Services, Illumina
Classification: Benign for Familial cold autoinflammatory syndrome 1. Last evaluated: 2018-01-13. Review status: criteria provided, single submitter. Criteria: ICSL Variant Classification Criteria 13 December 2019. Collection method: clinical testing. Allele origin: germline.
Comment: the same text as in the submission from Illumina Laboratory Services, Illumina above.

Illumina Laboratory Services, Illumina
Classification: Benign for Chronic infantile neurological, cutaneous and articular syndrome. Last evaluated: 2018-01-13. Review status: criteria provided, single submitter. Criteria: ICSL Variant Classification Criteria 13 December 2019. Collection method: clinical testing. Allele origin: germline.
Comment: the same text as in the submission from Illumina Laboratory Services, Illumina above.

GeneDx
Classification: Benign. Last evaluated: 2013-08-05. Review status: criteria provided, single submitter. Criteria: GeneDx Variant Classification (06012015). Collection method: clinical testing. Allele origin: germline. Affected: yes.
Comment: This variant is considered likely benign or benign based on one or more of the following criteria: it is a conservative change, it occurs at a poorly conserved position in the protein, it is predicted to be benign by multiple in silico algorithms, and/or has population frequency not consistent with disease.